The following is an entry in ClinVar:

ClinVar aggregate classification (germline): Uncertain significance (1 of 4 stars; one submission).

Conditions:
Premature ovarian failure 20 (POF20). Identifiers: MedGen C5677011, MONDO:0030975, OMIM 619938.
Spermatogenic failure 2. Also called: SPGF2; ASPERMIOGENESIS FACTOR. Identifiers: MedGen C1862459, MONDO:0007161, OMIM 108420.

gnomAD v4.1: 3 of 1,550,054 alleles (0.00019%); highest among the groups gnomAD compares: East Asian, 0.0049%; no homozygotes.

Submission:

Juno Genomics, Hangzhou Juno Genomics, Inc
Classification: Uncertain significance for Premature ovarian failure 20; Spermatogenic failure 2. Review status: criteria provided, single submitter. Criteria: ACMG Guidelines, 2015. Collection method: clinical testing. Allele origin: germline.
Comment: Absent from controls (or at extremely low frequency if recessive) in Genome Aggregation Database.;Multiple lines of computational evidence support a deleterious effect on the gene or gene product.

NM_002440.4(MSH4):c.1001C>T (p.Thr334Ile)

Gene: MSH4 (mutS homolog 4; plus strand). Cytogenetic location: 1p31.1.
Variant type: single nucleotide variant.
Coding change: c.1001C>T on transcript NM_002440.4 (MANE Select); coding-DNA position 1001, C replaced by T.
Protein change: p.Thr334Ile; replaces threonine 334 with isoleucine.
Molecular consequence: missense variant.
Genome position (GRCh38, 1-based): chr1:75,822,420, C>T. VCF-style: chr1-75822420-C-T. GRCh37 (hg19) VCF-style: chr1-76288105-C-T.
Other names: short protein forms T334I.
Identifiers: ClinVar variation 5007134 (VCV005007134.2).
Genomic context (GRCh38, chr1:75,822,420, plus strand): 5'-TCTTGCGTTTTTCTTTGTATTCTTACTGACATTTCTTGTGTTTTGAAAGGAATAATCACA[C>T]TCTCTTTGGTGTTCTAAATTATACTAAGACTCCTGGAGGGAGTAGACGACTTCGTTCTAA-3'
Protein context (NP_002431.2, residues 324-344): INNQDYRNNH[Thr334Ile]LFGVLNYTKT